The following is an entry in ClinVar:

ClinVar aggregate classification (germline): Uncertain significance (1 of 4 stars; one submission).

Conditions:
Primary ciliary dyskinesia. Also called: Ciliary dyskinesia. Identifiers: Orphanet 244, MedGen C0008780, MONDO:0016575, HP:0012265.

Submission:

Labcorp Genetics (formerly Invitae), Labcorp
Classification: Uncertain significance for Primary ciliary dyskinesia. Last evaluated: 2024-01-26. Review status: criteria provided, single submitter. Criteria: Invitae Variant Classification Sherloc (09022015). Collection method: clinical testing. Allele origin: germline.
Comment: This variant, c.432_455dup, results in the insertion of 8 amino acid(s) of the DNAAF5 protein (p.Leu145_Ala152dup), but otherwise preserves the integrity of the reading frame. This variant is not present in population databases (gnomAD no frequency). This variant has not been reported in the literature in individuals affected with DNAAF5-related conditions. In summary, the available evidence is currently insufficient to determine the role of this variant in disease. Therefore, it has been classified as a Variant of Uncertain Significance.

NM_017802.4(DNAAF5):c.432_455dup (p.Ala152_Val153insLeuValGlnLeuLeuGlyLeuAla)

Genes: DNAAF5 (dynein axonemal assembly factor 5; plus strand), PRKAR1B (protein kinase cAMP-dependent type I regulatory subunit beta; minus strand). Cytogenetic location: 7p22.3.
Variant type: Duplication.
Coding change: c.432_455dup on transcript NM_017802.4 (MANE Select); coding-DNA positions 432 to 455, 24 bases duplicated (GCTTGTGCAGCTGCTGGGCCTGGC).
Protein change: p.Ala152_Val153insLeuValGlnLeuLeuGlyLeuAla.
Molecular consequence: inframe insertion. On other transcripts: non-coding transcript variant (1), intron variant (3).
Genome position (GRCh38, 1-based): chr7:727,152-727,175, GCTTGTGCAGCTGCTGGGCCTGGC duplicated; duplicating any 24 consecutive bases within chr7:727,145-727,175 gives the same sequence; the c. name uses the placement nearest the transcript's 3' end. VCF-style (leftmost placement, unchanged base first): chr7-727144-C-CGCCTGGCGCTTGTGCAGCTGCTGG. GRCh37 (hg19) VCF-style: chr7-766781-C-CGCCTGGCGCTTGTGCAGCTGCTGG.
Other names: c.-23+487_-23+510dup (NM_001164759.1); c.-23+422_-23+445dup (NM_001164758.2); c.-23+42_-23+65dup (NM_001164760.2).
Identifiers: ClinVar variation 2807534 (VCV002807534.3), dbSNP rs1781347474, ClinGen allele CA2681345056.